The following is an entry in ClinVar:

ClinVar aggregate classification (germline): Uncertain significance (1 of 4 stars; one submission).

Conditions:
Renal cell carcinoma. Identifiers: Orphanet 217071, MedGen C0007134, MeSH D002292, MONDO:0005086, HP:0005584.

Submission:

Labcorp Genetics (formerly Invitae), Labcorp
Classification: Uncertain significance for Renal cell carcinoma. Last evaluated: 2020-11-17. Review status: criteria provided, single submitter. Criteria: Invitae Variant Classification Sherloc (09022015). Collection method: clinical testing. Allele origin: germline.
Comment: This sequence change affects an acceptor splice site in intron 14 of the MET gene. It is expected to disrupt RNA splicing. Variants that disrupt the donor or acceptor splice site typically lead to a loss of protein function (PMID: 16199547), however the current clinical and genetic evidence is not sufficient to establish whether loss-of-function variants in MET cause disease. This variant is not present in population databases (ExAC no frequency). This variant has not been reported in the literature in individuals with MET-related conditions. Algorithms developed to predict the effect of sequence changes on RNA splicing suggest that this variant may disrupt the consensus splice site, but this prediction has not been confirmed by published transcriptional studies. In summary, the available evidence is currently insufficient to determine the role of this variant in disease. Therefore, it has been classified as a Variant of Uncertain Significance.

Literature cited by the submitters: PubMed 16199547.

NM_000245.4(MET):c.3029-1G>A

Gene: MET (MET proto-oncogene, receptor tyrosine kinase; plus strand). Cytogenetic location: 7q31.2.
Variant type: single nucleotide variant.
Coding change: c.3029-1G>A on transcript NM_000245.4 (MANE Select); the canonical splice acceptor site of the intron before coding-DNA position 3029, G replaced by A.
Molecular consequence: splice acceptor variant.
Genome position (GRCh38, 1-based): chr7:116,774,880, G>A. VCF-style: chr7-116774880-G-A. GRCh37 (hg19) VCF-style: chr7-116414934-G-A.
Other names: c.3083-1G>A (NM_001127500.3); c.1739-1G>A (NM_001324402.2).
Identifiers: ClinVar variation 1348805 (VCV001348805.8), dbSNP rs2117029383, ClinGen allele CA368987733.